The following is an entry in ClinVar:

NM_172364.5(CACNA2D4):c.1644+5G>A

Gene: CACNA2D4 (calcium voltage-gated channel auxiliary subunit alpha2delta 4; minus strand). Cytogenetic location: 12p13.33.
Variant type: single nucleotide variant.
Coding change: c.1644+5G>A on transcript NM_172364.5 (MANE Select); 5 bases into the intron after coding-DNA position 1644, G replaced by A.
Molecular consequence: intron variant.
Genome position (GRCh38, 1-based): chr12:1,878,951, C>T on the plus strand (G>A on the coding strand, the complement: CACNA2D4 is on the minus strand). VCF-style: chr12-1878951-C-T. GRCh37 (hg19) VCF-style: chr12-1988117-C-T.
Identifiers: ClinVar variation 1000086 (VCV001000086.7), dbSNP rs775640626, ClinGen allele CA6387054.

ClinVar aggregate classification (germline): Uncertain significance. Review status: criteria provided, multiple submitters, no conflicts (2 of 4 stars). 2 submissions from 2 submitters: Uncertain significance (2). Last evaluated 2025-08-18.

Allele frequency attached by ClinVar (database versions not stated): gnomAD 0.00001; gnomAD exomes 0.00001 and 0.00002; ExAC 0.00002; TOPMed 0.00003.
gnomAD v4.1: 19 of 1,613,118 alleles (0.0012%); highest among the groups gnomAD compares: Admixed American, 0.0017%; no homozygotes.

Submissions (2):

Labcorp Genetics (formerly Invitae), Labcorp
Classification: Uncertain significance. Last evaluated: 2025-08-18. Review status: criteria provided, single submitter. Criteria: Invitae Variant Classification Sherloc (09022015). Collection method: clinical testing. Allele origin: germline.
Comment: This sequence change falls in intron 15 of the CACNA2D4 gene. It does not directly change the encoded amino acid sequence of the CACNA2D4 protein. It affects a nucleotide within the consensus splice site. This variant is present in population databases (rs775640626, gnomAD 0.004%). This variant has not been reported in the literature in individuals affected with CACNA2D4-related conditions. ClinVar contains an entry for this variant (Variation ID: 1000086). Variants that disrupt the consensus splice site are a relatively common cause of aberrant splicing (PMID: 17576681, 9536098). Algorithms developed to predict the effect of sequence changes on RNA splicing suggest that this variant may disrupt the consensus splice site. In summary, the available evidence is currently insufficient to determine the role of this variant in disease. Therefore, it has been classified as a Variant of Uncertain Significance.

Blueprint Genetics
Classification: Uncertain significance. Last evaluated: 2022-08-31. Review status: criteria provided, single submitter. Criteria: ACMG Guidelines, 2015. Collection method: clinical testing. Allele origin: germline.

Literature cited by the submitters: PubMed 17576681 (cited by Labcorp Genetics (formerly Invitae), Labcorp); PubMed 9536098 (cited by Labcorp Genetics (formerly Invitae), Labcorp).